The following is an entry in ClinVar:

ClinVar aggregate classification (germline): Uncertain significance (1 of 4 stars; one submission).

Submission:

GeneDx
Classification: Uncertain significance. Last evaluated: 2023-01-03. Review status: criteria provided, single submitter. Criteria: GeneDx Variant Classification Process June 2021. Collection method: clinical testing. Allele origin: germline. Affected: yes.
Comment: Not observed at significant frequency in large population cohorts (gnomAD); In silico analysis supports that this missense variant does not alter protein structure/function; Has not been previously published as pathogenic or benign to our knowledge

NM_000127.3(EXT1):c.237C>A (p.His79Gln)

Gene: EXT1 (exostosin glycosyltransferase 1; minus strand). Cytogenetic location: 8q24.11.
Variant type: single nucleotide variant.
Coding change: c.237C>A on transcript NM_000127.3 (MANE Select); coding-DNA position 237, C replaced by A.
Protein change: p.His79Gln; replaces histidine 79 with glutamine.
Molecular consequence: missense variant.
Genome position (GRCh38, 1-based): chr8:118,110,810, G>T on the plus strand (C>A on the coding strand, the complement: EXT1 is on the minus strand). VCF-style: chr8-118110810-G-T. GRCh37 (hg19) VCF-style: chr8-119123049-G-T.
Other names: short protein forms H79Q.
Identifiers: ClinVar variation 2507041 (VCV002507041.1), dbSNP rs2488052954, ClinGen allele CA371916305.